The following is an entry in ClinVar:

NM_001378778.1(MPDZ):c.536A>T (p.Asp179Val)

Gene: MPDZ (multiple PDZ domain crumbs cell polarity complex component; minus strand). Cytogenetic location: 9p23.
Variant type: single nucleotide variant.
Coding change: c.536A>T on transcript NM_001378778.1 (MANE Select); coding-DNA position 536, A replaced by T.
Protein change: p.Asp179Val; replaces aspartic acid 179 with valine.
Molecular consequence: missense variant.
Genome position (GRCh38, 1-based): chr9:13,222,444, T>A on the plus strand (A>T on the coding strand, the complement: MPDZ is on the minus strand). VCF-style: chr9-13222444-T-A. GRCh37 (hg19) VCF-style: chr9-13222443-T-A.
Other names: c.536A>T, p.Asp179Val (NM_001261406.2, NM_001261407.2, NM_001330637.2 and 14 more transcripts); short protein forms D179V.
Identifiers: ClinVar variation 1425771 (VCV001425771.8), dbSNP rs2136307985, ClinGen allele CA372947377.

ClinVar aggregate classification (germline): Uncertain significance (1 of 4 stars; one submission).

Submission:

Labcorp Genetics (formerly Invitae), Labcorp
Classification: Uncertain significance. Last evaluated: 2020-11-25. Review status: criteria provided, single submitter. Criteria: Invitae Variant Classification Sherloc (09022015). Collection method: clinical testing. Allele origin: germline.
Comment: In summary, the available evidence is currently insufficient to determine the role of this variant in disease. Therefore, it has been classified as a Variant of Uncertain Significance. Algorithms developed to predict the effect of missense changes on protein structure and function (SIFT, PolyPhen-2, Align-GVGD) all suggest that this variant is likely to be disruptive, but these predictions have not been confirmed by published functional studies and their clinical significance is uncertain. This variant has not been reported in the literature in individuals with MPDZ-related conditions. This variant is not present in population databases (ExAC no frequency). This sequence change replaces aspartic acid with valine at codon 179 of the MPDZ protein (p.Asp179Val). The aspartic acid residue is highly conserved and there is a large physicochemical difference between aspartic acid and valine.